The following is an entry in ClinVar:

ClinVar aggregate classification (germline): Pathogenic/Likely pathogenic. Review status: criteria provided, multiple submitters, no conflicts (2 of 4 stars). 5 submissions from 5 submitters: Pathogenic (4); Likely pathogenic (1). Last evaluated 2026-01-31.

Conditions:
Hereditary cancer-predisposing syndrome. Also called: Tumor predisposition; Hereditary neoplastic syndrome; Neoplastic Syndromes, Hereditary; Hereditary Cancer Syndrome. Identifiers: Orphanet 140162, MedGen C0027672, MeSH D009386, MONDO:0015356.
Familial cancer of breast. Also called: Hereditary breast cancer; hereditary breast carcinoma; BREAST CANCER, FAMILIAL. Identifiers: Orphanet 227535, MedGen C0346153, MONDO:0016419, OMIM 114480. Disease mechanism: loss of function.

Submissions (5):

Labcorp Genetics (formerly Invitae), Labcorp
Classification: Pathogenic for Familial cancer of breast. Last evaluated: 2026-01-31. Review status: criteria provided, single submitter. Criteria: Invitae Variant Classification Sherloc (09022015). Collection method: clinical testing. Allele origin: germline.
Comment: This sequence change creates a premature translational stop signal (p.Gly307Argfs*4) in the CHEK2 gene. It is expected to result in an absent or disrupted protein product. Loss-of-function variants in CHEK2 are known to be pathogenic (PMID: 21876083, 24713400). This variant is not present in population databases (gnomAD no frequency). This variant has not been reported in the literature in individuals affected with CHEK2-related conditions. ClinVar contains an entry for this variant (Variation ID: 1072482). For these reasons, this variant has been classified as Pathogenic.

Ambry Genetics
Classification: Pathogenic for Hereditary cancer-predisposing syndrome. Last evaluated: 2024-03-12. Review status: criteria provided, single submitter. Criteria: Ambry Variant Classification Scheme 2023. Collection method: clinical testing. Allele origin: germline.
Comment: The c.919_920delGG variant, located in coding exon 8 of the CHEK2 gene, results from a deletion of two nucleotides at nucleotide positions 919 to 920, causing a translational frameshift with a predicted alternate stop codon (p.G307Rfs*4). This alteration is expected to result in loss of function by premature protein truncation or nonsense-mediated mRNA decay. This variant is considered to be rare based on population cohorts in the Genome Aggregation Database (gnomAD). As such, this alteration is interpreted as a disease-causing mutation.

Molecular Pathology, Peter Maccallum Cancer Centre
Classification: Pathogenic for Familial cancer of breast. Last evaluated: 2024-02-09. Review status: criteria provided, single submitter. Criteria: ACMG Guidelines, 2015. Collection method: clinical testing. Allele origin: germline. Inheritance: Autosomal dominant inheritance.

Myriad Genetics, Inc.
Classification: Pathogenic for Familial cancer of breast. Last evaluated: 2023-06-27. Review status: criteria provided, single submitter. Criteria: Myriad Autosomal Dominant, Autosomal Recessive and X-Linked Classification Criteria (2023). Collection method: clinical testing. Allele origin: unknown.
Comment: This variant is considered pathogenic. This variant creates a frameshift predicted to result in premature protein truncation.

Baylor Genetics
Classification: Likely pathogenic for Familial cancer of breast. Last evaluated: 2021-06-07. Review status: criteria provided, single submitter. Criteria: ACMG Guidelines, 2015. Collection method: clinical testing. Allele origin: unknown.

Literature cited by the submitters: PubMed 21876083 (cited by Labcorp Genetics (formerly Invitae), Labcorp); PubMed 24713400 (cited by Labcorp Genetics (formerly Invitae), Labcorp).

NM_007194.4(CHEK2):c.919_920del (p.Gly307fs)

Gene: CHEK2 (checkpoint kinase 2; minus strand). Cytogenetic location: 22q12.1.
Variant type: Deletion.
Coding change: c.919_920del on transcript NM_007194.4 (MANE Select); coding-DNA positions 919 to 920, 2 bases deleted (GG; older notation c.919_920delGG).
Protein change: p.Gly307fs; shifts the reading frame from glycine 307.
Molecular consequence: frameshift variant.
Genome position (GRCh38, 1-based): chr22:28,699,926-28,699,927, CC deleted on the plus strand (GG on the coding strand, the reverse complement: CHEK2 is on the minus strand); deleting any 2 consecutive bases within chr22:28,699,926-28,699,930 gives the same sequence; the c. name uses the placement nearest the transcript's 3' end. VCF-style (leftmost placement, unchanged base first): chr22-28699925-TCC-T. GRCh37 (hg19) VCF-style: chr22-29095913-TCC-T.
Other names: c.1045_1046delGG, p.Gly350Argfs (NM_001005735.3); c.253_254delGG, p.Gly86Argfs (NM_001257387.3); c.715_716delGG, p.Gly240Argfs (NM_001349956.3); c.916_917delGG, p.Gly307Argfs (NM_145862.3); c.919_920delGG (NM_007194.3); short protein forms G240fs, G307fs, G350fs, G86fs.
Identifiers: ClinVar variation 1072482 (VCV001072482.12), dbSNP rs786203053, ClinGen allele CA2499226072.